The following is an entry in ClinVar:

NM_000179.3(MSH6):c.2074A>T (p.Lys692Ter)

Gene: MSH6 (mutS homolog 6; plus strand). Cytogenetic location: 2p16.3.
Variant type: single nucleotide variant.
Coding change: c.2074A>T on transcript NM_000179.3 (MANE Select); coding-DNA position 2074, A replaced by T.
Protein change: p.Lys692Ter; replaces lysine 692 with a stop codon.
Molecular consequence: nonsense. On other transcripts: non-coding transcript variant (5), intron variant (2).
Genome position (GRCh38, 1-based): chr2:47,800,057, A>T. VCF-style: chr2-47800057-A-T. GRCh37 (hg19) VCF-style: chr2-48027196-A-T.
Other names: c.1684A>T, p.Lys562Ter (NM_001281492.2); c.1168A>T, p.Lys390Ter (NM_001281493.2, NM_001281494.2, NM_001406811.1 and 6 more transcripts); c.2170A>T, p.Lys724Ter (NM_001406795.1, NM_001406802.1); c.2074A>T, p.Lys692Ter (NM_001406796.1, NM_001406798.1, NM_001406800.1 and 3 more transcripts); c.1777A>T, p.Lys593Ter (NM_001406797.1, NM_001406801.1, NM_001406805.1 and 10 more transcripts); c.1549A>T, p.Lys517Ter (NM_001406799.1, NM_001406806.1, NM_001406807.1); c.1996A>T, p.Lys666Ter (NM_001406804.1); c.2080A>T, p.Lys694Ter (NM_001406813.1); and 3 more; short protein forms K390*, K517*, K562*, K593*, K636*, K666*, K692*, K694*.
Identifiers: ClinVar variation 2673796 (VCV002673796.1), dbSNP rs752532578, ClinGen allele CA346750804.

ClinVar aggregate classification (germline): Pathogenic (1 of 4 stars; one submission).

Conditions:
Lynch syndrome 5 (LYNCH5). Also called: Colorectal cancer, hereditary nonpolyposis, type 5; Hereditary non-polyposis colorectal cancer, type 5. Identifiers: Orphanet 144, MedGen C1833477, MONDO:0013710, OMIM 614350. Disease mechanism: loss of function.

Submission:

Myriad Genetics, Inc.
Classification: Pathogenic for Lynch syndrome 5. Last evaluated: 2023-08-16. Review status: criteria provided, single submitter. Criteria: Myriad Autosomal Dominant, Autosomal Recessive and X-Linked Classification Criteria (2023). Collection method: clinical testing. Allele origin: unknown.
Comment: This variant is considered pathogenic. This variant creates a termination codon and is predicted to result in premature protein truncation.